The following is an entry in ClinVar:

NM_004098.4(EMX2):c.653G>A (p.Gly218Asp)

Gene: EMX2 (empty spiracles homeobox 2; plus strand). Cytogenetic location: 10q26.11.
Variant type: single nucleotide variant.
Coding change: c.653G>A on transcript NM_004098.4 (MANE Select); coding-DNA position 653, G replaced by A.
Protein change: p.Gly218Asp; replaces glycine 218 with aspartic acid.
Molecular consequence: missense variant. On other transcripts: synonymous variant (1).
Genome position (GRCh38, 1-based): chr10:117,548,126, G>A. VCF-style: chr10-117548126-G-A. GRCh37 (hg19) VCF-style: chr10-119307637-G-A.
Other names: c.468G>A, p.Arg156= (NM_001165924.2); short protein forms G218D.
Identifiers: ClinVar variation 593850 (VCV000593850.12), dbSNP rs200981903, ClinGen allele CA5711516.

ClinVar aggregate classification (germline): Conflicting classifications of pathogenicity. Review status: criteria provided, conflicting classifications (1 of 4 stars). 4 submissions from 4 submitters: Uncertain significance (2); Likely benign (1). 1 of the submissions does not count toward it. Last evaluated 2019-12-31.

Conditions:
Congenital hypogonadotropic hypogonadism. Identifiers: Orphanet 174590, MedGen C3899503, MONDO:0015770.
EMX2-related disorder. Also called: EMX2-related condition.

Allele frequency attached by ClinVar (database versions not stated): gnomAD 0.00014; ESP Exome Variant Server 0.00015; TOPMed 0.00016; ExAC 0.00021; gnomAD exomes 0.00024.
gnomAD v4.1: 211 of 1,613,698 alleles (0.013%); highest among the groups gnomAD compares: Admixed American, 0.02%; no homozygotes.

Submissions (4):

Labcorp Genetics (formerly Invitae), Labcorp
Classification: Likely benign. Last evaluated: 2019-12-31. Review status: criteria provided, single submitter. Criteria: Invitae Variant Classification Sherloc (09022015). Collection method: clinical testing. Allele origin: germline.

Eurofins Ntd Llc (ga)
Classification: Uncertain significance. Last evaluated: 2017-09-14. Review status: criteria provided, single submitter. Criteria: EGL Classification Definitions 2015. Collection method: clinical testing. Allele origin: germline. Observed: 1 variant allele, 1 heterozygote.

Reproductive Endocrine Unit, Massachusetts General Hospital
Classification: Uncertain significance for Congenital hypogonadotropic hypogonadism. Review status: criteria provided, single submitter. Criteria: ACMG Guidelines, 2015. Collection method: research. Allele origin: unknown. Affected: yes.
Comment: Gly218Asp meets the BP4 ACMG criteria. In summary, the Gly218Asp is classified as uncertain significance based upon the information we were able to obtain.

PreventionGenetics, part of Exact Sciences
Classification: Likely benign for EMX2-related condition. Last evaluated: 2024-07-15. Review status: no assertion criteria provided. Collection method: clinical testing. Allele origin: germline. Not counted in ClinVar's aggregate classification.
Comment: This variant is classified as likely benign based on ACMG/AMP sequence variant interpretation guidelines (Richards et al. 2015 PMID: 25741868, with internal and published modifications).